The following is an entry in ClinVar:

ClinVar aggregate classification (germline): Uncertain significance (1 of 4 stars; one submission).

Conditions:
Familial thoracic aortic aneurysm and aortic dissection (TAAD). Also called: Thoracic aortic aneurysms and dissections. Identifiers: Orphanet 91387, MedGen C4707243, MONDO:0019625.

gnomAD v4.1: 1 of 1,612,446 alleles (0.000062%); highest among the groups gnomAD compares: Non-Finnish European, 0.000085%; no homozygotes.

Submission:

Ambry Genetics
Classification: Uncertain significance for Familial thoracic aortic aneurysm and aortic dissection. Last evaluated: 2025-03-23. Review status: criteria provided, single submitter. Criteria: Ambry Variant Classification Scheme 2023. Collection method: clinical testing. Allele origin: germline.
Comment: The p.S433Y variant (also known as c.1298C>A), located in coding exon 11 of the PRKG1 gene, results from a C to A substitution at nucleotide position 1298. The serine at codon 433 is replaced by tyrosine, an amino acid with dissimilar properties. This amino acid position is conserved. In addition, this alteration is predicted to be deleterious by in silico analysis. Based on the available evidence, the clinical significance of this variant remains unclear.

NM_006258.4(PRKG1):c.1298C>A (p.Ser433Tyr)

Gene: PRKG1 (protein kinase cGMP-dependent 1; plus strand). Cytogenetic location: 10q21.1.
Variant type: single nucleotide variant.
Coding change: c.1298C>A on transcript NM_006258.4 (MANE Select); coding-DNA position 1298, C replaced by A.
Protein change: p.Ser433Tyr; replaces serine 433 with tyrosine.
Molecular consequence: missense variant.
Genome position (GRCh38, 1-based): chr10:52,271,474, C>A. VCF-style: chr10-52271474-C-A. GRCh37 (hg19) VCF-style: chr10-54031234-C-A.
Other names: c.1253C>A, p.Ser418Tyr (NM_001098512.3); c.89C>A, p.Ser30Tyr (NM_001374781.1); short protein forms S418Y, S433Y, S30Y.
Identifiers: ClinVar variation 3938220 (VCV003938220.1).